The following is an entry in ClinVar:

ClinVar aggregate classification (germline): Pathogenic/Likely pathogenic. Review status: criteria provided, multiple submitters, no conflicts (2 of 4 stars). 15 submissions from 15 submitters: Pathogenic (10); Likely pathogenic (3). 2 of the submissions do not count toward it. Last evaluated 2025-11-30.

Conditions:
Developmental and epileptic encephalopathy, 69. Also called: EPILEPTIC ENCEPHALOPATHY, EARLY INFANTILE, 69. Identifiers: MedGen C4748988, MONDO:0032657, OMIM 618285.
CACNA1E-related disorder. Also called: CACNA1E-related condition.
Inborn genetic diseases. Identifiers: MedGen C0950123, MeSH D030342.
Developmental and epileptic encephalopathy. Identifiers: MedGen C5779964, MONDO:0100620.
Van der Woude syndrome 1. Also called: CLEFT LIP AND/OR PALATE WITH MUCOUS CYSTS OF LOWER LIP; van der Woude Syndrome (VWS). Identifiers: MedGen C4551864, MONDO:0007333, OMIM 119300.

Submissions (15):

3billion
Classification: Pathogenic for Developmental and epileptic encephalopathy, 69. Last evaluated: 2025-11-30. Review status: criteria provided, single submitter. Criteria: ACMG Guidelines, 2015. Collection method: clinical testing. Allele origin: germline. Affected: yes.
Comment: The variant is not observed in the gnomAD v4.1.0 dataset. Predicted Consequence/Location: Missense variant Functional studies provide strong evidence of the variant having a damaging effect on the gene or gene product (PMID: 30343943). In silico tool predictions suggest damaging effect of the variant on gene or gene product [REVEL: 0.83 (>=0.6, sensitivity 0.68 and specificity 0.92); 3Cnet: 0.95 (> 0.75, sensitivity 0.96 and precision 0.92)]. The same nucleotide change resulting in the same amino acid change has been previously reported as pathogenic/likely pathogenic with strong evidence (ClinVar ID: VCV000521483 /PMID: 30343943). The variant has been previously reported as de novo in a similarly affected individual (PMID: 30343943). The variant has been observed in multiple (>3) similarly affected unrelated individuals (PMID: 30343943). Different missense changes at the same codon (p.Ala702Gly, p.Ala702Pro, p.Ala702Ser, p.Ala702Val) have been reported as pathogenic/likely pathogenic with strong evidence (ClinVar ID: VCV000427007, VCV000931757, VCV001703708, VCV003262735 /PMID: 30343943, 34702355). Therefore, this variant is classified as Pathogenic according to the recommendation of ACMG/AMP guideline.

Labcorp Genetics (formerly Invitae), Labcorp
Classification: Pathogenic. Last evaluated: 2025-11-17. Review status: criteria provided, single submitter. Criteria: Invitae Variant Classification Sherloc (09022015). Collection method: clinical testing. Allele origin: germline.
Comment: This sequence change replaces alanine, which is neutral and non-polar, with threonine, which is neutral and polar, at codon 702 of the CACNA1E protein (p.Ala702Thr). This variant is not present in population databases (gnomAD no frequency). This missense change has been observed in individual(s) with early infantile epileptic encephalopathy (PMID: 30343943). In at least one individual the variant was observed to be de novo. ClinVar contains an entry for this variant (Variation ID: 521483). Invitae Evidence Modeling of protein sequence and biophysical properties (such as structural, functional, and spatial information, amino acid conservation, physicochemical variation, residue mobility, and thermodynamic stability) indicates that this missense variant is expected to disrupt CACNA1E protein function with a positive predictive value of 80%. Experimental studies have shown that this missense change affects CACNA1E function (PMID: 30343943). For these reasons, this variant has been classified as Pathogenic.

Blueprint Genetics
Classification: Pathogenic for CACNA1E-related disorders. Last evaluated: 2024-10-18. Review status: criteria provided, single submitter. Criteria: ACMG Guidelines, 2015. Collection method: clinical testing. Allele origin: germline. Affected: yes. Observed: 1 variant allele.

Institute of Human Genetics, University of Leipzig Medical Center
Classification: Pathogenic for Developmental and epileptic encephalopathy, 69. Last evaluated: 2024-08-08. Review status: criteria provided, single submitter. Criteria: ACMG Guidelines, 2015. Collection method: clinical testing. Allele origin: de novo. Inheritance: Autosomal dominant inheritance. Affected: yes.
Comment: Criteria applied: PS2_VSTR,PS4,PM5_STR,PM1,PM2,PP2,PP3

Genome-Nilou Lab
Classification: Likely pathogenic for Developmental and epileptic encephalopathy, 69. Last evaluated: 2023-04-11. Review status: criteria provided, single submitter. Criteria: ACMG Guidelines, 2015. Collection method: clinical testing. Allele origin: germline. Affected: no.

Acibadem Labgen Genetic Diagnostic Center
Classification: Pathogenic for Developmental and epileptic encephalopathy, 69. Last evaluated: 2023-03-06. Review status: criteria provided, single submitter. Criteria: ACMG Guidelines, 2015. Collection method: clinical testing. Allele origin: unknown. Inheritance: Autosomal dominant inheritance. Affected: yes. Observed: 1 variant allele.

GeneDx
Classification: Pathogenic. Last evaluated: 2022-06-01. Review status: criteria provided, single submitter. Criteria: GeneDx Variant Classification Process June 2021. Collection method: clinical testing. Allele origin: germline. Affected: yes.
Comment: Published functional studies demonstrate that this variant negatively affects channel voltage-dependent activation and slows inactivation (Helbig et al., 2018); Not observed at significant frequency in large population cohorts (gnomAD); This variant is associated with the following publications: (PMID: 31064215, 17660294, 23934111, 33746731, 31175295, 33726816, 30343943)

Mendelics
Classification: Pathogenic for Developmental and epileptic encephalopathy, 69. Last evaluated: 2022-05-04. Review status: criteria provided, single submitter. Criteria: Mendelics Assertion Criteria 2019. Collection method: clinical testing. Allele origin: germline.

Equipe Genetique des Anomalies du Developpement, Université de Bourgogne
Classification: Pathogenic for Van der Woude syndrome 1. Last evaluated: 2021-10-28. Review status: criteria provided, single submitter. Criteria: ACMG Guidelines, 2015. Collection method: clinical testing. Allele origin: de novo. Affected: yes.

Fulgent Genetics
Classification: Pathogenic for Developmental and epileptic encephalopathy, 69. Last evaluated: 2021-08-20. Review status: criteria provided, single submitter. Criteria: ACMG Guidelines, 2015. Collection method: clinical testing. Allele origin: unknown.

Undiagnosed Diseases Network, NIH
Classification: Pathogenic for Developmental and epileptic encephalopathy, 69. Last evaluated: 2020-02-06. Review status: criteria provided, single submitter. Criteria: ACMG Guidelines, 2015. Collection method: clinical testing. Allele origin: de novo. Inheritance: Autosomal dominant inheritance. Affected: yes. Observed: 1 variant allele, 1 heterozygote. Study: Undiagnosed Diseases Network (NIH), UDN.

Clinical Genetics and Genomics, Karolinska University Hospital
Classification: Likely pathogenic. Last evaluated: 2018-06-15. Review status: criteria provided, single submitter. Criteria: ACMG Guidelines, 2015. Collection method: clinical testing. Allele origin: germline. Affected: yes. Observed: 1 variant allele.

Ambry Genetics
Classification: Likely pathogenic for Inborn genetic diseases. Last evaluated: 2017-03-07. Review status: criteria provided, single submitter. Criteria: Ambry exome assertion method (8-5-2015). Collection method: clinical testing. Allele origin: germline. Affected: yes. Observed: 1 variant allele.

OMIM
Classification: Pathogenic for DEVELOPMENTAL AND EPILEPTIC ENCEPHALOPATHY 69. Last evaluated: 2020-11-18. Review status: no assertion criteria provided. Collection method: literature only. Allele origin: germline. Not counted in ClinVar's aggregate classification.

Yale Center for Mendelian Genomics, Yale University
Classification: Likely pathogenic for Developmental and epileptic encephalopathy. Last evaluated: 2018-11-01. Review status: no assertion criteria provided. Collection method: literature only. Allele origin: de novo. Affected: yes. Observed: 7 heterozygotes. Study: Yale Center for Mendelian Genomics. Not counted in ClinVar's aggregate classification.

Literature cited by the submitters: PubMed 30343943 (cited by 4 submitters); PubMed 23934111 (cited by Ambry Genetics); PubMed 17660294 (cited by Ambry Genetics).

NM_001205293.3(CACNA1E):c.2104G>A (p.Ala702Thr)

Gene: CACNA1E (calcium voltage-gated channel subunit alpha1 E; plus strand). Cytogenetic location: 1q25.3.
Variant type: single nucleotide variant.
Coding change: c.2104G>A on transcript NM_001205293.3 (MANE Select); coding-DNA position 2104, G replaced by A.
Protein change: p.Ala702Thr; replaces alanine 702 with threonine.
Molecular consequence: missense variant.
Genome position (GRCh38, 1-based): chr1:181,724,499, G>A. VCF-style: chr1-181724499-G-A. GRCh37 (hg19) VCF-style: chr1-181693635-G-A.
Other names: c.2104G>A, p.Ala702Thr (NM_000721.4, NM_001205294.2); short protein forms A702T.
Identifiers: ClinVar variation 521483 (VCV000521483.27), dbSNP rs12131800, ClinGen allele CA33822752.